The following is an entry in ClinVar:

ClinVar aggregate classification (germline): Uncertain significance. Review status: criteria provided, multiple submitters, no conflicts (2 of 4 stars). 2 submissions from 2 submitters: Uncertain significance (2). Last evaluated 2024-03-06.

Conditions:
Hereditary cancer-predisposing syndrome. Also called: Neoplastic Syndromes, Hereditary; Tumor predisposition; Hereditary Cancer Syndrome; Hereditary neoplastic syndrome. Identifiers: Orphanet 140162, MedGen C0027672, MeSH D009386, MONDO:0015356.
Familial adenomatous polyposis 1 (FAP1). Also called: FAMILIAL ADENOMATOUS POLYPOSIS 1, ATTENUATED; POLYPOSIS, ADENOMATOUS INTESTINAL. Identifiers: MedGen C2713442, MONDO:0021056, OMIM 175100. Disease mechanism: loss of function.

Allele frequency attached by ClinVar (database versions not stated): gnomAD exomes below 0.00001.
gnomAD v4.1: 1 of 1,613,928 alleles (0.000062%); highest among the groups gnomAD compares: South Asian, 0.0011%; no homozygotes.

Submissions (2):

Color Diagnostics, LLC DBA Color Health
Classification: Uncertain significance for Hereditary cancer-predisposing syndrome. Last evaluated: 2024-03-06. Review status: criteria provided, single submitter. Criteria: ACMG Guidelines, 2015. Collection method: clinical testing. Allele origin: germline.
Comment: This missense variant replaces asparagine with aspartic acid at codon 1919 of the APC protein. Computational prediction suggests that this variant may not impact protein structure and function (internally defined REVEL score threshold <= 0.5, PMID: 27666373). Splice site prediction tools suggest that this variant may not impact RNA splicing. To our knowledge, functional studies have not been performed for this variant. This variant has not been reported in individuals affected with hereditary cancer in the literature. This variant has not been identified in the general population by the Genome Aggregation Database (gnomAD). The available evidence is insufficient to determine the role of this variant in disease conclusively. Therefore, this variant is classified as a Variant of Uncertain Significance.

Labcorp Genetics (formerly Invitae), Labcorp
Classification: Uncertain significance for Familial adenomatous polyposis 1. Last evaluated: 2022-02-20. Review status: criteria provided, single submitter. Criteria: Invitae Variant Classification Sherloc (09022015). Collection method: clinical testing. Allele origin: germline.
Comment: This sequence change replaces asparagine, which is neutral and polar, with aspartic acid, which is acidic and polar, at codon 1919 of the APC protein (p.Asn1919Asp). This variant is not present in population databases (gnomAD no frequency). This variant has not been reported in the literature in individuals affected with APC-related conditions. ClinVar contains an entry for this variant (Variation ID: 923467). Algorithms developed to predict the effect of missense changes on protein structure and function output the following: SIFT: "Tolerated"; PolyPhen-2: "Benign"; Align-GVGD: "Class C0". The aspartic acid amino acid residue is found in multiple mammalian species, which suggests that this missense change does not adversely affect protein function. In summary, the available evidence is currently insufficient to determine the role of this variant in disease. Therefore, it has been classified as a Variant of Uncertain Significance.

NM_000038.6(APC):c.5755A>G (p.Asn1919Asp)

Gene: APC (APC regulator of Wnt signaling pathway; plus strand). Cytogenetic location: 5q22.2.
Variant type: single nucleotide variant.
Coding change: c.5755A>G on transcript NM_000038.6 (MANE Select); coding-DNA position 5755, A replaced by G.
Protein change: p.Asn1919Asp; replaces asparagine 1919 with aspartic acid.
Molecular consequence: missense variant.
Genome position (GRCh38, 1-based): chr5:112,841,349, A>G. VCF-style: chr5-112841349-A-G. GRCh37 (hg19) VCF-style: chr5-112177046-A-G.
Other names: c.5755A>G, p.Asn1919Asp (NM_001127510.3, NM_001354895.2); c.5701A>G, p.Asn1901Asp (NM_001127511.3); c.5809A>G, p.Asn1937Asp (NM_001354896.2); c.5785A>G, p.Asn1929Asp (NM_001354897.2); c.5680A>G, p.Asn1894Asp (NM_001354898.2); c.5671A>G, p.Asn1891Asp (NM_001354899.2); c.5632A>G, p.Asn1878Asp (NM_001354900.2); c.5578A>G, p.Asn1860Asp (NM_001354901.2); and 5 more; short protein forms N1818D, N1828D, N1937D, N1894D, N1901D, N1636D, N1759D, N1891D.
Identifiers: ClinVar variation 923467 (VCV000923467.14), dbSNP rs1554086959, ClinGen allele CA16033928.